The following is an entry in ClinVar:

ClinVar aggregate classification (germline): Pathogenic (1 of 4 stars; one submission).

Conditions:
DSCAM-related neurodevelopmental and retinal dysfunction syndrome.

Submission:

Center for Medical Genetics and Molecular Medicine, Haukeland University Hospital
Classification: Pathogenic for DSCAM-related neurodevelopmental and retinal dysfunction syndrome. Last evaluated: 2025-12-16. Review status: criteria provided, single submitter. Criteria: ACMG Guidelines, 2015. Collection method: clinical testing. Allele origin: unknown. Inheritance: Autosomal recessive inheritance. Affected: yes. Observed: 1 variant allele, 1 compound heterozygote.
Comment: The NM_001389.5:c.3635del variant introduces a shift in the reading frame and is predicted to produce p.(Pro1212Leufs*4), a premature termination codon (PTC) within exon 20 of 33 in DSCAM. This alteration is expected to either result in a truncated protein lacking critical C terminal domains or lead to degradation of the mutant transcript via nonsense-mediated mRNA decay (NMD), consistent with a loss-of-function effect. The variant is absent from the population databases gnomAD v4.1.1. Supporting the pathogenicity of this variant, two unrelated individuals homozygous for predicted or confirmed loss-of-function variants in DSCAM have been previously reported with overlapping features (PMIDs: 28600779, 33170561), supporting evidence that loss of function is a disease mechanism for this gene. In summary, this variant meets ACMG/AMP criteria for pathogenicity, including PVS1 (Very Strong) for a null variant, and PM2 (Moderate) for absence from population control databases. Therefore, the NM_001389.5:c.3635del variant is classified as pathogenic.

Literature cited by the submitters: PubMed 28600779; PubMed 33170561.

NM_001389.5(DSCAM):c.3635del (p.Pro1212fs)

Gene: DSCAM (DS cell adhesion molecule; minus strand). Cytogenetic location: 21q22.2.
Variant type: Deletion.
Coding change: c.3635del on transcript NM_001389.5 (MANE Select); coding-DNA position 3635, one base deleted (C; older notation c.3635delC).
Protein change: p.Pro1212fs; shifts the reading frame from proline 1212.
Molecular consequence: frameshift variant. On other transcripts: non-coding transcript variant (1).
Genome position (GRCh38, 1-based): chr21:40,124,256, G deleted on the plus strand (C on the coding strand, the reverse complement: DSCAM is on the minus strand); the first of 5 consecutive G bases (chr21:40,124,256-40,124,260); deleting any one gives the same sequence. VCF-style (leftmost placement, unchanged base first): chr21-40124255-AG-A. GRCh37 (hg19) VCF-style: chr21-41496182-AG-A.
Other names: c.3635del, p.Pro1212fs (NM_001271534.3); short protein forms P1212fs.
Identifiers: ClinVar variation 4820322 (VCV004820322.1).
Genomic context (GRCh38, chr21:40,124,255, plus strand): 5'-TGTGGGATAGGGGTGGGAGCAGAATACAGTGTACTTTCGGATGATGCCGTTCAGCTTGAG[AG>A]GGGGAAGCCAGGACACAAAGACCATGGAGGCTGAGGCCGCCGCTGCCTTCACACCCGCGG-3'